The following is an entry in ClinVar:

NM_001113378.2(FANCI):c.1655G>A (p.Ser552Asn)

Gene: FANCI (FA complementation group I; plus strand). Cytogenetic location: 15q26.1.
Variant type: single nucleotide variant.
Coding change: c.1655G>A on transcript NM_001113378.2 (MANE Select); coding-DNA position 1655, G replaced by A.
Protein change: p.Ser552Asn; replaces serine 552 with asparagine.
Molecular consequence: missense variant.
Genome position (GRCh38, 1-based): chr15:89,283,207, G>A. VCF-style: chr15-89283207-G-A. GRCh37 (hg19) VCF-style: chr15-89826438-G-A.
Other names: c.1376G>A, p.Ser459Asn (NM_001376910.1); c.1655G>A, p.Ser552Asn (NM_001376911.1, NM_018193.3); short protein forms S552N, S459N.
Identifiers: ClinVar variation 526328 (VCV000526328.9), dbSNP rs1470686039, ClinGen allele CA393745069.

ClinVar aggregate classification (germline): Uncertain significance. Review status: criteria provided, multiple submitters, no conflicts (2 of 4 stars). 2 submissions from 2 submitters: Uncertain significance (2). Last evaluated 2024-02-03.

Conditions:
Fanconi anemia complementation group I (FANCI). Also called: FANCI-Related Fanconi Anemia. Identifiers: Orphanet 84, MedGen C1836861, MONDO:0012186, OMIM 609053.
Fanconi anemia (FA). Also called: Fanconi's anemia. Identifiers: Orphanet 84, MedGen C0015625, MeSH D005199, MONDO:0019391.

Allele frequency attached by ClinVar (database versions not stated): gnomAD below 0.00001 and 0.00001; gnomAD exomes below 0.00001.
gnomAD v4.1: 4 of 1,614,064 alleles (0.00025%); highest among the groups gnomAD compares: South Asian, 0.0033%; no homozygotes.

Submissions (2):

Fulgent Genetics
Classification: Uncertain significance for Fanconi anemia complementation group I. Last evaluated: 2024-02-03. Review status: criteria provided, single submitter. Criteria: ACMG Guidelines, 2015. Collection method: clinical testing. Allele origin: germline.

Labcorp Genetics (formerly Invitae), Labcorp
Classification: Uncertain significance for Fanconi anemia. Last evaluated: 2022-08-23. Review status: criteria provided, single submitter. Criteria: Invitae Variant Classification Sherloc (09022015). Collection method: clinical testing. Allele origin: germline.
Comment: This sequence change replaces serine, which is neutral and polar, with asparagine, which is neutral and polar, at codon 552 of the FANCI protein (p.Ser552Asn). This variant is present in population databases (no rsID available, gnomAD 0.003%). This variant has not been reported in the literature in individuals affected with FANCI-related conditions. ClinVar contains an entry for this variant (Variation ID: 526328). Algorithms developed to predict the effect of missense changes on protein structure and function are either unavailable or do not agree on the potential impact of this missense change (SIFT: "Deleterious"; PolyPhen-2: "Probably Damaging"; Align-GVGD: "Class C0"). In summary, the available evidence is currently insufficient to determine the role of this variant in disease. Therefore, it has been classified as a Variant of Uncertain Significance.